The following is an entry in ClinVar:

ClinVar aggregate classification (germline): Pathogenic (1 of 4 stars; one submission).

Submission:

Illumina Laboratory Services, Illumina
Classification: Pathogenic. Last evaluated: 2020-01-06. Review status: criteria provided, single submitter. Criteria: ICSL CNVClassificationCriteria Jul2020Prior. Collection method: clinical testing. Allele origin: unknown.
Comment: This CNV is a 4.9 Mb deletion of 15q11.2-q13.1 on chromosome 15, (seq[GRCh37]del(15)(q11.2q13.1);chr15:g.23616095_28538904del), which is found in a de novo state. This CNV constitutes a loss encompassing 154 genes and overlaps the well-described Angelman syndrome/Prader-Willi syndrome region of chromosome 15. The proximal long arm of chromosome 15 (15q11-q13) contains five breakpoints, referred to as BP1-BP5. Two classes of deletions are found in patients: a larger type I (BP1-BP3) and smaller type II (BP2-BP3) deletion (Tan et al. 2011; Valente et al. 2013). These breakpoints are believed to recur due to the presence of low copy repeat sequences surrounding the region of the deletion. Based on the collective evidence, this CNV is classified as pathogenic.

Literature cited by the submitters: PubMed 21204213; PubMed 23352739; PubMed 28387067.

GRCh37/hg19 15q11.2-13.1(chr15:23616095-28538904)x1

Genes: NPAP1 (nuclear pore associated protein 1; plus strand), PWRN2 (Prader-Willi region non-protein coding RNA 2; minus strand), SNORD115-1 (small nucleolar RNA, C/D box 115-1; plus strand), PWRN1 (Prader-Willi region non-protein coding RNA 1; plus strand), SNORD116-1 (small nucleolar RNA, C/D box 116-1; plus strand) and 19 more. Cytogenetic location: 15q11.2-13.1.
Variant type: copy number loss.
Change: copy number 1 (one copy instead of two) of chr15:23,616,095-28,538,904 (4.92 Mb, GRCh37 coordinates, 1-based), cytogenetic band 15q11.2-13.1.
Identifiers: ClinVar variation 1180527 (VCV001180527.4).